The following is an entry in ClinVar:

NM_032043.3(BRIP1):c.1341-3C>G

Gene: BRIP1 (BRCA1 interacting DNA helicase 1; minus strand). Cytogenetic location: 17q23.2.
Variant type: single nucleotide variant.
Coding change: c.1341-3C>G on transcript NM_032043.3 (MANE Select); 3 bases into the intron before coding-DNA position 1341, C replaced by G.
Molecular consequence: intron variant.
Genome position (GRCh38, 1-based): chr17:61,793,732, G>C on the plus strand (C>G on the coding strand, the complement: BRIP1 is on the minus strand). VCF-style: chr17-61793732-G-C. GRCh37 (hg19) VCF-style: chr17-59871093-G-C.
Identifiers: ClinVar variation 220601 (VCV000220601.29), dbSNP rs864622597, ClinGen allele CA348725.
Genomic context (GRCh38, chr17:61,793,732, plus strand): 5'-TTTACAAGCTGATTCATAATCTCTTTCTACAAGATATTCAGCGTTTGCTTCTAACCAACT[G>C]AAATAAAATAAAACAATTGTGTCAACCAGTATCATCCTTACACACACTATTTCAGCAGAA-3'

ClinVar aggregate classification (germline): Conflicting classifications of pathogenicity. Review status: criteria provided, conflicting classifications (1 of 4 stars). 8 submissions from 8 submitters: Likely pathogenic (2); Uncertain significance (6). Last evaluated 2026-07-15.

Conditions:
Hereditary cancer-predisposing syndrome. Also called: Hereditary Cancer Syndrome; Tumor predisposition; Hereditary neoplastic syndrome; Neoplastic Syndromes, Hereditary. Identifiers: Orphanet 140162, MedGen C0027672, MeSH D009386, MONDO:0015356.
Familial ovarian cancer. Identifiers: MedGen C5679802, MONDO:0016248.
Familial cancer of breast. Also called: hereditary breast carcinoma; BREAST CANCER, FAMILIAL; Hereditary breast cancer. Identifiers: Orphanet 227535, MedGen C0346153, MONDO:0016419, OMIM 114480. Disease mechanism: loss of function.
Fanconi anemia complementation group J. Also called: BRIP1-Related Fanconi Anemia. Identifiers: Orphanet 84, MedGen C1836860, MONDO:0012187, OMIM 609054.

Allele frequency attached by ClinVar (database versions not stated): TOPMed below 0.00001.

Submissions (8):

Myriad Genetics, Inc.
Classification: Likely pathogenic for Familial ovarian cancer. Last evaluated: 2026-07-15. Review status: criteria provided, single submitter. Criteria: Myriad Autosomal Dominant, Autosomal Recessive and X-Linked Classification Criteria (2023). Collection method: clinical testing. Allele origin: unknown.
Comment: This variant is considered likely pathogenic. mRNA analysis has demonstrated abnormal mRNA splicing occurs [PMID: 39902189, Myriad internal data].

Quest Diagnostics Nichols Institute San Juan Capistrano
Classification: Uncertain significance. Last evaluated: 2025-09-30. Review status: criteria provided, single submitter. Criteria: Quest Diagnostics criteria. Collection method: clinical testing. Allele origin: unknown.
Comment: The BRIP1 c.1341-3C>G variant has been reported in the published literature in individuals with breast cancer (PMID: 35264596 (2022)) and uterine cancer (PMID: 35534704 (2022)). Assessment of experimental evidence suggests this variant results in abnormal RNA splicing (PMID: 39902189 (2024)). This variant has not been reported in large, multi-ethnic general populations (Genome Aggregation Database). Analysis of this variant using software algorithms for the prediction of the effect of nucleotide changes on splicing yielded predictions that this variant may affect proper BRIP1 mRNA splicing. Based on the available information, we are unable to determine the clinical significance of this variant.

Ambry Genetics
Classification: Likely pathogenic for Hereditary cancer-predisposing syndrome. Last evaluated: 2025-05-22. Review status: criteria provided, single submitter. Criteria: Ambry Variant Classification Scheme 2023. Collection method: clinical testing. Allele origin: germline.
Comment: The c.1341-3C>G intronic variant results from a C to G substitution 3 nucleotides upstream from coding exon 9 in the BRIP1 gene. This alteration was detected in a cohort of 1663 individuals diagnosed with breast cancer (Guindalini RSC et al. Sci Rep, 2022 Mar;12:4190). This nucleotide position is not well conserved in available vertebrate species. In silico splice site analysis predicts that this alteration will weaken the native splice acceptor site. RNA studies have demonstrated that this alteration results in abnormal splicing in the set of samples tested (Ambry internal data). This variant is considered to be rare based on population cohorts in the Genome Aggregation Database (gnomAD). Based on the majority of available evidence to date, this variant is likely to be pathogenic.

Labcorp Genetics (formerly Invitae), Labcorp
Classification: Uncertain significance for Familial cancer of breast; Fanconi anemia complementation group J. Last evaluated: 2024-05-27. Review status: criteria provided, single submitter. Criteria: Invitae Variant Classification Sherloc (09022015). Collection method: clinical testing. Allele origin: germline.
Comment: This sequence change falls in intron 9 of the BRIP1 gene. It does not directly change the encoded amino acid sequence of the BRIP1 protein. It affects a nucleotide within the consensus splice site. This variant is not present in population databases (gnomAD no frequency). This variant has been observed in individual(s) with breast cancer (PMID: 35264596). ClinVar contains an entry for this variant (Variation ID: 220601). Variants that disrupt the consensus splice site are a relatively common cause of aberrant splicing (PMID: 17576681, 9536098). Algorithms developed to predict the effect of sequence changes on RNA splicing suggest that this variant may disrupt the consensus splice site. In summary, the available evidence is currently insufficient to determine the role of this variant in disease. Therefore, it has been classified as a Variant of Uncertain Significance.

GeneDx
Classification: Uncertain significance. Last evaluated: 2023-10-10. Review status: criteria provided, single submitter. Criteria: GeneDx Variant Classification Process June 2021. Collection method: clinical testing. Allele origin: germline. Affected: yes.
Comment: Not observed in large population cohorts (gnomAD); In silico analysis supports a deleterious effect on splicing; Observed in at individual with breast cancer in published literature (Guindalini et al., 2022); This variant is associated with the following publications: (PMID: 35264596)

Color Diagnostics, LLC DBA Color Health
Classification: Uncertain significance for Hereditary cancer-predisposing syndrome. Last evaluated: 2021-12-22. Review status: criteria provided, single submitter. Criteria: ACMG Guidelines, 2015. Collection method: clinical testing. Allele origin: germline.
Comment: This variant causes a C to G nucleotide substitution at the -3 position of intron 9 of the BRIP1 gene. Splice site prediction tools predict that this variant may have a significant impact on RNA splicing. An external laboratory has reported that this variant impairs RNA splicing and results in skipping of exon 10 (r.1341_1473del) (ClinVar submission SCV000668874.3). To our knowledge, this variant has not been reported in individuals affected with hereditary cancer in the literature. This variant has not been identified in the general population by the Genome Aggregation Database (gnomAD). Although this variant may impact RNA splicing and have deleterious effect on the BRIP1 gene function, the available clinical evidence is insufficient to determine the role of this variant in disease conclusively. Therefore, this variant is classified as a Variant of Uncertain Significance.

Department of Pathology and Laboratory Medicine, Sinai Health System
Classification: Uncertain significance for Familial cancer of breast. Last evaluated: 2021-06-14. Review status: criteria provided, single submitter. Criteria: ACMG Guidelines, 2015. Collection method: clinical testing. Allele origin: germline. Affected: yes.

Mendelics
Classification: Uncertain significance for Fanconi anemia, complementation group J. Last evaluated: 2018-07-02. Review status: criteria provided, single submitter. Criteria: Mendelics Assertion Criteria 2017. Collection method: clinical testing. Allele origin: unknown.

Literature cited by the submitters: PubMed 39902189 (cited by Myriad Genetics, Inc. and Quest Diagnostics Nichols Institute San Juan Capistrano); PubMed 35264596 (cited by 3 submitters); PubMed 35534704 (cited by Quest Diagnostics Nichols Institute San Juan Capistrano); PubMed 17576681 (cited by Labcorp Genetics (formerly Invitae), Labcorp); PubMed 9536098 (cited by Labcorp Genetics (formerly Invitae), Labcorp).